The following is an entry in ClinVar:

ClinVar aggregate classification (germline): Uncertain significance. Review status: criteria provided, multiple submitters, no conflicts (2 of 4 stars). 2 submissions from 2 submitters: Uncertain significance (2). Last evaluated 2026-09-08.

Conditions:
Fabry disease. Also called: ALPHA-GALACTOSIDASE A DEFICIENCY; ANDERSON-FABRY DISEASE; CERAMIDE TRIHEXOSIDASE DEFICIENCY; Fabry's disease; Ceramide trihexosidosis; GLA DEFICIENCY. Identifiers: Orphanet 324, MedGen C0002986, MONDO:0010526, OMIM 301500, HP:0001071. Disease mechanism: Fabry disease is due to inactivating mutations in the X-linked GLA gene resulting in deficiency of the enzyme Alpha Galactosidase-A., loss of function.

Submissions (2):

Genomenon, Inc
Classification: Uncertain significance for Fabry disease. Last evaluated: 2026-09-08. Review status: criteria provided, single submitter. Criteria: Genomenon Sequence Variant Interpretation Standards - Updated. Collection method: curation. Allele origin: germline. Affected: yes.
Comment: GLA p.Asn228His (c.682A>C) is a missense variant that changes the amino acid at codon 228 from Asparagine to Histidine. This variant has been observed in at least one proband with clinical features consistent with Fabry disease (PMID:33014486). Functional or patient cell studies have been reported (PMID:33014486). It is absent or not present at a significant frequency in gnomAD. In silico models predict that this variant is possibly or probably damaging. In conclusion, we classify GLA p.Asn228His (c.682A>C) as a variant of uncertain significance.

Revvity Omics, Revvity
Classification: Uncertain significance. Last evaluated: 2020-06-22. Review status: criteria provided, single submitter. Criteria: ACMG Guidelines, 2015. Collection method: clinical testing. Allele origin: germline.

Literature cited by the submitters: PubMed 33014486 (cited by Genomenon, Inc).

NM_000169.3(GLA):c.682A>C (p.Asn228His)

Genes: GLA (galactosidase alpha; minus strand), RPL36A-HNRNPH2 (RPL36A-HNRNPH2 readthrough; plus strand). Cytogenetic location: Xq22.1.
Variant type: single nucleotide variant.
Coding change: c.682A>C on transcript NM_000169.3 (MANE Select); coding-DNA position 682, A replaced by C.
Protein change: p.Asn228His; replaces asparagine 228 with histidine.
Molecular consequence: missense variant. On other transcripts: non-coding transcript variant (3), intron variant (2).
Genome position (GRCh38, 1-based): chrX:101,398,904, T>G on the plus strand (A>C on the coding strand, the complement: GLA is on the minus strand). VCF-style: chrX-101398904-T-G. GRCh37 (hg19) VCF-style: chrX-100653892-T-G.
Other names: c.805A>C, p.Asn269His (NM_001406747.1); c.682A>C, p.Asn228His (NM_001406748.1); c.300+3447T>G (NM_001199973.2); c.177+7082T>G (NM_001199974.2); short protein forms N228H, N269H.
Identifiers: ClinVar variation 2432136 (VCV002432136.5), dbSNP rs2520871541, ClinGen allele CA413924874.